The following is an entry in ClinVar:

NM_001256789.3(CACNA1F):c.4101-13T>C

Gene: CACNA1F (calcium voltage-gated channel subunit alpha1 F; minus strand). Cytogenetic location: Xp11.23.
Variant type: single nucleotide variant.
Coding change: c.4101-13T>C on transcript NM_001256789.3 (MANE Select); 13 bases into the intron before coding-DNA position 4101, T replaced by C.
Molecular consequence: intron variant.
Genome position (GRCh38, 1-based): chrX:49,211,494, A>G on the plus strand (T>C on the coding strand, the complement: CACNA1F is on the minus strand). VCF-style: chrX-49211494-A-G. GRCh37 (hg19) VCF-style: chrX-49067954-A-G.
Other names: c.4134-13T>C (NM_005183.4); c.3939-13T>C (NM_001256790.3).
Identifiers: ClinVar variation 4728377 (VCV004728377.1).

ClinVar aggregate classification (germline): Uncertain significance (1 of 4 stars; one submission).

Submission:

Labcorp Genetics (formerly Invitae), Labcorp
Classification: Uncertain significance. Last evaluated: 2025-10-03. Review status: criteria provided, single submitter. Criteria: Invitae Variant Classification Sherloc (09022015). Collection method: clinical testing. Allele origin: germline.
Comment: This sequence change falls in intron 35 of the CACNA1F gene. It does not directly change the encoded amino acid sequence of the CACNA1F protein. This variant is not present in population databases (gnomAD no frequency). This variant has not been reported in the literature in individuals affected with CACNA1F-related conditions. Algorithms developed to predict the effect of sequence changes on RNA splicing suggest that this variant may disrupt the consensus splice site. In summary, the available evidence is currently insufficient to determine the role of this variant in disease. Therefore, it has been classified as a Variant of Uncertain Significance.